The following is an entry in ClinVar:

NM_032608.7(MYO18B):c.4349G>A (p.Arg1450His)

Genes: MYO18B (myosin XVIIIB; plus strand), MYO18B-AS1 (MYO18B antisense RNA 1; minus strand). Cytogenetic location: 22q12.1.
Variant type: single nucleotide variant.
Coding change: c.4349G>A on transcript NM_032608.7 (MANE Select); coding-DNA position 4349, G replaced by A.
Protein change: p.Arg1450His; replaces arginine 1450 with histidine.
Molecular consequence: missense variant.
Genome position (GRCh38, 1-based): chr22:25,890,790, G>A. VCF-style: chr22-25890790-G-A. GRCh37 (hg19) VCF-style: chr22-26286757-G-A.
Other names: c.4352G>A, p.Arg1451His (NM_001318245.2); short protein forms R1451H, R1450H.
Identifiers: ClinVar variation 2080787 (VCV002080787.1), dbSNP rs944107846, ClinGen allele CA322812810.

ClinVar aggregate classification (germline): Uncertain significance (1 of 4 stars; one submission).

Allele frequency attached by ClinVar (database versions not stated): gnomAD exomes 0.00001; gnomAD 0.00002; TOPMed 0.00002.
gnomAD v4.1: 17 of 1,613,786 alleles (0.0011%); highest among the groups gnomAD compares: African/African-American, 0.0053%; no homozygotes.

Submission:

Labcorp Genetics (formerly Invitae), Labcorp
Classification: Uncertain significance. Last evaluated: 2022-08-06. Review status: criteria provided, single submitter. Criteria: Invitae Variant Classification Sherloc (09022015). Collection method: clinical testing. Allele origin: germline.
Comment: This sequence change replaces arginine, which is basic and polar, with histidine, which is basic and polar, at codon 1450 of the MYO18B protein (p.Arg1450His). This variant is present in population databases (no rsID available, gnomAD 0.004%). This variant has not been reported in the literature in individuals affected with MYO18B-related conditions. Algorithms developed to predict the effect of missense changes on protein structure and function output the following: SIFT: "Not Available"; PolyPhen-2: "Benign"; Align-GVGD: "Not Available". The histidine amino acid residue is found in multiple mammalian species, which suggests that this missense change does not adversely affect protein function. In summary, the available evidence is currently insufficient to determine the role of this variant in disease. Therefore, it has been classified as a Variant of Uncertain Significance.